The following is an entry in ClinVar:

NM_000138.5(FBN1):c.3172G>A (p.Gly1058Ser)

Gene: FBN1 (fibrillin 1; minus strand). Cytogenetic location: 15q21.1.
Variant type: single nucleotide variant.
Coding change: c.3172G>A on transcript NM_000138.5 (MANE Select); coding-DNA position 3172, G replaced by A.
Protein change: p.Gly1058Ser; replaces glycine 1058 with serine.
Molecular consequence: missense variant.
Genome position (GRCh38, 1-based): chr15:48,488,404, C>T on the plus strand (G>A on the coding strand, the complement: FBN1 is on the minus strand). VCF-style: chr15-48488404-C-T. GRCh37 (hg19) VCF-style: chr15-48780601-C-T.
Other names: short protein forms G1058S.
Identifiers: ClinVar variation 264619 (VCV000264619.19), dbSNP rs886039208, ClinGen allele CA10587836.
Genomic context (GRCh38, chr15:48,488,404, plus strand): 5'-GGCCCTTAAGGCTCATTAACTGACCTGTGCAGTTCCTTTCTTCAGAATCAAGAGCAAAGC[C>T]GCTGTCACACCTGCACTTAAAGCTGCCAATGGTGTTTCTGCACTTGCCGTGGGTGCAGAG-3'
Protein context (NP_000129.3, residues 1048-1068): IGSFKCRCDS[Gly1058Ser]FALDSEERNC

ClinVar aggregate classification (germline): Conflicting classifications of pathogenicity. Review status: criteria provided, conflicting classifications (1 of 4 stars). 3 submissions from 3 submitters: Likely pathogenic (1); Uncertain significance (2). Last evaluated 2024-12-16.

Conditions:
Marfan syndrome (MFS). Also called: MARFAN SYNDROME, TYPE I; FBN1-Related Marfan Syndrome; Marfan syndrome, classic; Marfan syndrome type 1; Marfan's syndrome. Identifiers: Orphanet 284963, Orphanet 558, MedGen C0024796, MONDO:0007947, OMIM 154700.
Familial thoracic aortic aneurysm and aortic dissection (TAAD). Also called: Thoracic aortic aneurysms and dissections. Identifiers: Orphanet 91387, MedGen C4707243, MONDO:0019625.

Allele frequency attached by ClinVar (database versions not stated): TOPMed below 0.00001.
gnomAD v4.1: 2 of 1,614,194 alleles (0.00012%); highest among the groups gnomAD compares: Non-Finnish European, 0.00017%; no homozygotes.

Submissions (3):

Ambry Genetics
Classification: Uncertain significance for Familial thoracic aortic aneurysm and aortic dissection. Last evaluated: 2024-12-16. Review status: criteria provided, single submitter. Criteria: Ambry Variant Classification Scheme 2023. Collection method: clinical testing. Allele origin: germline.
Comment: The p.G1058S variant (also known as c.3172G>A), located in coding exon 25 of the FBN1 gene, results from a G to A substitution at nucleotide position 3172. The glycine at codon 1058 is replaced by serine, an amino acid with similar properties, and is located in the cbEGF-like #11 domain. This variant was reported in individual(s) with features consistent with Marfan syndrome (Ambry internal data). This amino acid position is highly conserved in available vertebrate species. In addition, this alteration is predicted to be deleterious by in silico analysis. Since supporting evidence is limited at this time, the clinical significance of this variant remains unclear.

Labcorp Genetics (formerly Invitae), Labcorp
Classification: Likely pathogenic for Marfan syndrome; Familial thoracic aortic aneurysm and aortic dissection. Last evaluated: 2024-01-09. Review status: criteria provided, single submitter. Criteria: Invitae Variant Classification Sherloc (09022015). Collection method: clinical testing. Allele origin: germline.
Comment: This sequence change replaces glycine, which is neutral and non-polar, with serine, which is neutral and polar, at codon 1058 of the FBN1 protein (p.Gly1058Ser). This variant is not present in population databases (gnomAD no frequency). This variant has not been reported in the literature in individuals affected with FBN1-related conditions. ClinVar contains an entry for this variant (Variation ID: 264619). Advanced modeling of protein sequence and biophysical properties (such as structural, functional, and spatial information, amino acid conservation, physicochemical variation, residue mobility, and thermodynamic stability) performed at Invitae indicates that this missense variant is expected to disrupt FBN1 protein function with a positive predictive value of 95%. This variant disrupts the p.Gly1058 amino acid residue in FBN1. Other variant(s) that disrupt this residue have been determined to be pathogenic (PMID: 16222657, 27160103; Invitae). This suggests that this residue is clinically significant, and that variants that disrupt this residue are likely to be disease-causing. In summary, the currently available evidence indicates that the variant is pathogenic, but additional data are needed to prove that conclusively. Therefore, this variant has been classified as Likely Pathogenic.

Color Diagnostics, LLC DBA Color Health
Classification: Uncertain significance for Familial thoracic aortic aneurysm and aortic dissection. Last evaluated: 2021-02-08. Review status: criteria provided, single submitter. Criteria: ACMG Guidelines, 2015. Collection method: clinical testing. Allele origin: germline.
Comment: This missense variant replaces glycine with serine at codon 1058 of the FBN1 protein. Computational prediction suggests that this variant may have deleterious impact on protein structure and function (internally defined REVEL score threshold >= 0.7, PMID: 27666373). To our knowledge, functional studies have not been reported for this variant. This variant has not been reported in individuals affected with cardiovascular disorders in the literature. This variant has not been identified in the general population by the Genome Aggregation Database (gnomAD). The available evidence is insufficient to determine the role of this variant in disease conclusively. Therefore, this variant is classified as a Variant of Uncertain Significance.

Literature cited by the submitters: PubMed 16222657 (cited by Labcorp Genetics (formerly Invitae), Labcorp); PubMed 27160103 (cited by Labcorp Genetics (formerly Invitae), Labcorp).